The following is an entry in ClinVar:

NM_001379210.1(SLC25A26):c.405+260G>A

Gene: SLC25A26 (solute carrier family 25 member 26; plus strand). Cytogenetic location: 3p14.1.
Variant type: single nucleotide variant.
Coding change: c.405+260G>A on transcript NM_001379210.1 (MANE Select); 260 bases into the intron after coding-DNA position 405, G replaced by A.
Molecular consequence: intron variant.
Genome position (GRCh38, 1-based): chr3:66,262,415, G>A. VCF-style: chr3-66262415-G-A. GRCh37 (hg19) VCF-style: chr3-66312839-G-A.
Other names: c.405+260G>A (NM_173471.4); c.141+260G>A (NM_001350993.1, NM_001164796.1).
Identifiers: ClinVar variation 674166 (VCV000674166.1), dbSNP rs9830590, ClinGen allele CA76494037.

ClinVar aggregate classification (germline): Likely benign (1 of 4 stars; one submission).

Allele frequency attached by ClinVar (database versions not stated): 1000 Genomes Project 0.01078; 1000 Genomes Project 30x 0.01093; gnomAD 0.01291 and 0.01385; TOPMed 0.01461.
gnomAD v4.1: 1,950 of 152,254 alleles (1.3%); highest among the groups gnomAD compares: African/African-American, 4.4%; 46 homozygotes.

Submission:

GeneDx
Classification: Likely benign. Last evaluated: 2018-06-19. Review status: criteria provided, single submitter. Criteria: GeneDx Variant Classification (06012015). Collection method: clinical testing. Allele origin: germline. Affected: yes.
Comment: This variant is considered likely benign or benign based on one or more of the following criteria: it is a conservative change, it occurs at a poorly conserved position in the protein, it is predicted to be benign by multiple in silico algorithms, and/or has population frequency not consistent with disease.